The following is an entry in ClinVar:

ClinVar aggregate classification (germline): Uncertain significance. Review status: criteria provided, multiple submitters, no conflicts (2 of 4 stars). 6 submissions from 6 submitters: Uncertain significance (6). Last evaluated 2025-07-21.

Conditions:
MEGF10-related myopathy (CMYO10A). Also called: Congenital myopathy 10A, severe variant. Identifiers: Orphanet 439212, MedGen C3280679, MONDO:0013731, OMIM 614399.
Inborn genetic diseases. Identifiers: MedGen C0950123, MeSH D030342.

Allele frequency attached by ClinVar (database versions not stated): gnomAD exomes 0.00003 and 0.00010; ExAC 0.00011; gnomAD 0.00036 and 0.00040; TOPMed 0.00041; ESP Exome Variant Server 0.00046.
gnomAD v4.1: 105 of 1,613,984 alleles (0.0065%); highest among the groups gnomAD compares: African/African-American, 0.13%; no homozygotes.

Submissions (6):

Women's Health and Genetics/Laboratory Corporation of America, LabCorp
Classification: Uncertain significance. Last evaluated: 2025-07-21. Review status: criteria provided, single submitter. Criteria: LabCorp Variant Classification Summary - May 2015. Collection method: clinical testing. Allele origin: germline.
Comment: Variant summary: MEGF10 c.669T>A (p.Asp223Glu) results in a conservative amino acid change in the encoded protein sequence. Algorithms developed to predict the effect of missense changes on protein structure and function are either unavailable or do not agree on the potential impact of this missense change. The variant allele was found at a frequency of 9.5e-05 in 251424 control chromosomes. This frequency is not significantly higher than estimated for a pathogenic variant in MEGF10 causing MEGF10-Related Myopathy, allowing no conclusion about variant significance. To our knowledge, no occurrence of c.669T>A in individuals affected with MEGF10-Related Myopathy and no experimental evidence demonstrating its impact on protein function have been reported. ClinVar contains an entry for this variant (Variation ID: 350641). Based on the evidence outlined above, the variant was classified as uncertain significance.

Labcorp Genetics (formerly Invitae), Labcorp
Classification: Uncertain significance for MEGF10-related myopathy. Last evaluated: 2022-07-05. Review status: criteria provided, single submitter. Criteria: Invitae Variant Classification Sherloc (09022015). Collection method: clinical testing. Allele origin: germline.
Comment: This sequence change replaces aspartic acid, which is acidic and polar, with glutamic acid, which is acidic and polar, at codon 223 of the MEGF10 protein (p.Asp223Glu). This variant is present in population databases (rs142221815, gnomAD 0.1%). This variant has not been reported in the literature in individuals affected with MEGF10-related conditions. ClinVar contains an entry for this variant (Variation ID: 350641). Algorithms developed to predict the effect of missense changes on protein structure and function are either unavailable or do not agree on the potential impact of this missense change (SIFT: "Deleterious"; PolyPhen-2: "Benign"; Align-GVGD: "Class C35"). In summary, the available evidence is currently insufficient to determine the role of this variant in disease. Therefore, it has been classified as a Variant of Uncertain Significance.

Ambry Genetics
Classification: Uncertain significance for Inborn genetic diseases. Last evaluated: 2021-07-09. Review status: criteria provided, single submitter. Criteria: Ambry Variant Classification Scheme 2023. Collection method: clinical testing. Allele origin: germline.

Mayo Clinic Laboratories, Mayo Clinic
Classification: Uncertain significance. Last evaluated: 2019-08-26. Review status: criteria provided, single submitter. Criteria: ACMG Guidelines, 2015. Collection method: clinical testing. Allele origin: germline. Observed: 1 variant allele.

Illumina Laboratory Services, Illumina
Classification: Uncertain significance for MEGF10-related myopathy. Last evaluated: 2018-01-12. Review status: criteria provided, single submitter. Criteria: ICSL Variant Classification Criteria 13 December 2019. Collection method: clinical testing. Allele origin: germline.

Breakthrough Genomics
Classification: Uncertain significance. Review status: criteria provided, single submitter. Criteria: ACMG Guidelines, 2015. Collection method: not provided. Allele origin: germline. Inheritance: Autosomal recessive inheritance. Affected: yes.

NM_001256545.2(MEGF10):c.669T>A (p.Asp223Glu)

Gene: MEGF10 (multiple EGF like domains 10; plus strand). Cytogenetic location: 5q23.2.
Variant type: single nucleotide variant.
Coding change: c.669T>A on transcript NM_001256545.2 (MANE Select); coding-DNA position 669, T replaced by A.
Protein change: p.Asp223Glu; replaces aspartic acid 223 with glutamic acid.
Molecular consequence: missense variant.
Genome position (GRCh38, 1-based): chr5:127,398,685, T>A. VCF-style: chr5-127398685-T-A. GRCh37 (hg19) VCF-style: chr5-126734377-T-A.
Other names: c.669T>A, p.Asp223Glu (NM_001308119.2, NM_001308121.2, NM_032446.3); short protein forms D223E.
Identifiers: ClinVar variation 350641 (VCV000350641.17), dbSNP rs142221815, ClinGen allele CA3391381.
Genomic context (GRCh38, chr5:127,398,685, plus strand): 5'-GTCATGTGTCTGGGAAATAACAGTGTCCTTTGTCACATGTTAATCCCTCAGCTGTGAGGA[T>A]CTTTGTCCTCCTGGTAAACATGGTCCACAGTGTGAGCAGAGATGCCCTTGTCAAAATGGA-3'
Protein context (NP_001243474.1, residues 213-233): PPGYTGAFCE[Asp223Glu]LCPPGKHGPQ